The following is an entry in ClinVar:

ClinVar aggregate classification (germline): Likely benign (1 of 4 stars; one submission).

Conditions:
Familial adenomatous polyposis 2. Also called: COLORECTAL ADENOMATOUS POLYPOSIS, AUTOSOMAL RECESSIVE; ADENOMAS, MULTIPLE COLORECTAL, AUTOSOMAL RECESSIVE; MYH-associated polyposis; MUTYH-associated polyposis; MUTYH-related attenuated familial adenomatous polyposis; MUTYH Polyposis. Identifiers: Orphanet 220460, Orphanet 247798, MedGen C3272841, MONDO:0012041, OMIM 608456.

Allele frequency attached by ClinVar (database versions not stated): gnomAD exomes below 0.00001.
gnomAD v4.1: 1 of 1,614,200 alleles (0.000062%); highest among the groups gnomAD compares: Non-Finnish European, 0.000085%; no homozygotes.

Submission:

All of Us Research Program, National Institutes of Health
Classification: Likely benign for Familial adenomatous polyposis 2. Last evaluated: 2023-11-20. Review status: criteria provided, single submitter. Criteria: ACMG Guidelines, 2015. Collection method: clinical testing. Allele origin: germline. Inheritance: Autosomal recessive inheritance. Observed: 1 variant allele, 1 heterozygote.
Comment: This study involves interpretation of variants in research participants for the purpose of population health screening. Participant phenotype was not available at the time of variant classification. Additional details can be found in publication PMID: 35346344, PMCID: PMC8962531

NM_001048174.2(MUTYH):c.1551C>T (p.Asn517=)

Gene: MUTYH (mutY DNA glycosylase; minus strand). Cytogenetic location: 1p34.1.
Variant type: single nucleotide variant.
Coding change: c.1551C>T on transcript NM_001048174.2 (MANE Select); coding-DNA position 1551, C replaced by T.
Protein change: p.Asn517=; no amino-acid change (asparagine 517 retained).
Molecular consequence: synonymous variant. On other transcripts: non-coding transcript variant (7).
Genome position (GRCh38, 1-based): chr1:45,329,321, G>A on the plus strand (C>T on the coding strand, the complement: MUTYH is on the minus strand). VCF-style: chr1-45329321-G-A. GRCh37 (hg19) VCF-style: chr1-45794993-G-A.
Other names: c.1551C>T, p.Asn517= (NM_001048171.2, NM_001048173.2, NM_001293195.2 and 6 more transcripts); c.1554C>T, p.Asn518= (NM_001048172.2, NM_001407071.1, NM_001407078.1 and 1 more transcripts); c.1635C>T, p.Asn545= (NM_001128425.2); c.1596C>T, p.Asn532= (NM_001293190.2); c.1584C>T, p.Asn528= (NM_001293191.2, NM_001407069.1, NM_001407077.1); c.1275C>T, p.Asn425= (NM_001293192.2, NM_001293196.2, NM_001407091.1); c.1206C>T, p.Asn402= (NM_001350650.2, NM_001350651.2, NM_001407082.1); c.1467C>T, p.Asn489= (NM_001407075.1); and 5 more.
Identifiers: ClinVar variation 3074711 (VCV003074711.1), dbSNP rs2149087408, ClinGen allele CA417701971.